The following is an entry in ClinVar:

NM_001394062.1(MACF1):c.18884G>A (p.Arg6295Gln)

Gene: MACF1 (microtubule actin crosslinking factor 1; plus strand). Cytogenetic location: 1p34.3.
Variant type: single nucleotide variant.
Coding change: c.18884G>A on transcript NM_001394062.1 (MANE Select); coding-DNA position 18884, G replaced by A.
Protein change: p.Arg6295Gln; replaces arginine 6295 with glutamine.
Molecular consequence: missense variant.
Genome position (GRCh38, 1-based): chr1:39,442,256, G>A. VCF-style: chr1-39442256-G-A. GRCh37 (hg19) VCF-style: chr1-39907928-G-A.
Other names: c.6962G>A, p.Arg2321Gln (NM_001397473.1); c.12707G>A, p.Arg4236Gln (NM_012090.5); c.12707G>A (NM_012090.4); short protein forms R2321Q, R4236Q, R6295Q.
Identifiers: ClinVar variation 2420805 (VCV002420805.7), dbSNP rs534801018, ClinGen allele CA783986.

ClinVar aggregate classification (germline): Conflicting classifications of pathogenicity. Review status: criteria provided, conflicting classifications (1 of 4 stars). 3 submissions from 3 submitters: Uncertain significance (1); Likely benign (2). Last evaluated 2024-09-10.

Conditions:
Inborn genetic diseases. Identifiers: MedGen C0950123, MeSH D030342.

Allele frequency attached by ClinVar (database versions not stated): ExAC 0.00003; gnomAD exomes 0.00003; TOPMed 0.00003; gnomAD 0.00004.
gnomAD v4.1: 45 of 1,609,956 alleles (0.0028%); highest among the groups gnomAD compares: Middle Eastern, 0.017%; no homozygotes.

Submissions (3):

Blueprint Genetics
Classification: Likely benign. Last evaluated: 2024-09-10. Review status: criteria provided, single submitter. Criteria: ACMG Guidelines, 2015. Collection method: clinical testing. Allele origin: germline.

Ambry Genetics
Classification: Likely benign for Inborn genetic diseases. Last evaluated: 2024-04-15. Review status: criteria provided, single submitter. Criteria: Ambry Variant Classification Scheme 2023. Collection method: clinical testing. Allele origin: germline.

Labcorp Genetics (formerly Invitae), Labcorp
Classification: Uncertain significance. Last evaluated: 2024-01-22. Review status: criteria provided, single submitter. Criteria: Invitae Variant Classification Sherloc (09022015). Collection method: clinical testing. Allele origin: germline.
Comment: This sequence change replaces arginine, which is basic and polar, with glutamine, which is neutral and polar, at codon 4236 of the MACF1 protein (p.Arg4236Gln). This variant is present in population databases (rs534801018, gnomAD 0.01%). This variant has not been reported in the literature in individuals affected with MACF1-related conditions. ClinVar contains an entry for this variant (Variation ID: 2420805). An algorithm developed to predict the effect of missense changes on protein structure and function (PolyPhen-2) suggests that this variant is likely to be tolerated. In summary, the available evidence is currently insufficient to determine the role of this variant in disease. Therefore, it has been classified as a Variant of Uncertain Significance.